The following is an entry in ClinVar:

ClinVar aggregate classification (germline): Likely benign. Review status: criteria provided, multiple submitters, no conflicts (2 of 4 stars). 3 submissions from 3 submitters: Likely benign (3). Last evaluated 2026-04-27.

Conditions:
Nephronophthisis. Also called: Juvenile Nephronophthisis. Identifiers: Orphanet 655, MedGen C0687120, MONDO:0019005, HP:0000090.
Jeune thoracic dystrophy. Also called: Jeune syndrome; Infantile thoracic dystrophy; Thoracic pelvic phalangeal dystrophy; Jeune's syndrome; Chondroectodermal dysplasia-like syndrome; Short-rib thoracic dysplasia. Identifiers: Orphanet 474, MedGen C0265275, MONDO:0018770.
TTC21B-related disorder. Also called: TTC21B-related condition; TTC21B-related disorders.
Asphyxiating thoracic dystrophy 4 (SRTD4). Also called: SHORT-RIB THORACIC DYSPLASIA 4 WITH OR WITHOUT POLYDACTYLY; SHORT-RIB THORACIC DYSPLASIA 4. Identifiers: Orphanet 474, MedGen C3151185, MONDO:0013441, OMIM 613819.
Nephronophthisis 12 (NPHP12). Identifiers: Orphanet 655, MedGen C3151186, MONDO:0013442, OMIM 613820.

Allele frequency attached by ClinVar (database versions not stated): ExAC 0.00001; gnomAD exomes 0.00001 and 0.00002; gnomAD 0.00002; TOPMed 0.00002.

Submissions (3):

PreventionGenetics, part of Exact Sciences
Classification: Likely benign for TTC21B-related condition. Last evaluated: 2026-04-27. Review status: criteria provided, single submitter. Criteria: ACMG Guidelines, 2015. Collection method: clinical testing. Allele origin: germline.
Comment: This variant is classified as likely benign based on ACMG/AMP sequence variant interpretation guidelines (Richards et al. 2015 PMID: 25741868, with internal and published modifications).

Labcorp Genetics (formerly Invitae), Labcorp
Classification: Likely benign for Jeune thoracic dystrophy; Nephronophthisis. Last evaluated: 2025-05-28. Review status: criteria provided, single submitter. Criteria: Invitae Variant Classification Sherloc (09022015). Collection method: clinical testing. Allele origin: germline.

Fulgent Genetics
Classification: Likely benign for Asphyxiating thoracic dystrophy 4; Nephronophthisis 12. Last evaluated: 2021-12-30. Review status: criteria provided, single submitter. Criteria: ACMG Guidelines, 2015. Collection method: clinical testing. Allele origin: unknown.

NM_024753.5(TTC21B):c.318T>C (p.Ala106=)

Genes: TTC21B (tetratricopeptide repeat domain 21B; minus strand), TTC21B-AS1 (TTC21B antisense RNA 1; plus strand). Cytogenetic location: 2q24.3.
Variant type: single nucleotide variant.
Coding change: c.318T>C on transcript NM_024753.5 (MANE Select); coding-DNA position 318, T replaced by C.
Protein change: p.Ala106=; no amino-acid change (alanine 106 retained).
Molecular consequence: synonymous variant.
Genome position (GRCh38, 1-based): chr2:165,945,635, A>G on the plus strand (T>C on the coding strand, the complement: TTC21B is on the minus strand). VCF-style: chr2-165945635-A-G. GRCh37 (hg19) VCF-style: chr2-166802145-A-G.
Identifiers: ClinVar variation 701980 (VCV000701980.10), dbSNP rs747777604, ClinGen allele CA1942477.